The following is an entry in ClinVar:

NM_015915.5(ATL1):c.740A>G (p.His247Arg)

Gene: ATL1 (atlastin GTPase 1; plus strand). Cytogenetic location: 14q22.1.
Variant type: single nucleotide variant.
Coding change: c.740A>G on transcript NM_015915.5 (MANE Select); coding-DNA position 740, A replaced by G.
Protein change: p.His247Arg; replaces histidine 247 with arginine.
Molecular consequence: missense variant.
Genome position (GRCh38, 1-based): chr14:50,614,389, A>G. VCF-style: chr14-50614389-A-G. GRCh37 (hg19) VCF-style: chr14-51081107-A-G.
Other names: c.740A>G, p.His247Arg (NM_001127713.1, NM_181598.4); short protein forms H247R.
Identifiers: ClinVar variation 1065628 (VCV001065628.9), dbSNP rs2140226883, ClinGen allele CA389671454.

ClinVar aggregate classification (germline): Conflicting classifications of pathogenicity. Review status: criteria provided, conflicting classifications (1 of 4 stars). 3 submissions from 3 submitters: Likely pathogenic (2); Uncertain significance (1). Last evaluated 2025-09-25.

Conditions:
Hereditary spastic paraplegia 3A (SPG3A). Also called: Spastic paraplegia 3A, autosomal dominant; SPASTIC PARAPLEGIA 3, AUTOSOMAL DOMINANT; FAMILIAL SPASTIC PARAPLEGIA, AUTOSOMAL DOMINANT, 1; SPG3; STRUMPELL DISEASE; Spastic Paraplegia 3A. Identifiers: Orphanet 100984, MedGen C2931355, MONDO:0008437, OMIM 182600.
Inborn genetic diseases. Identifiers: MedGen C0950123, MeSH D030342.

Submissions (3):

Ambry Genetics
Classification: Likely pathogenic for Inborn genetic diseases. Last evaluated: 2025-09-25. Review status: criteria provided, single submitter. Criteria: Ambry Variant Classification Scheme 2023. Collection method: clinical testing. Allele origin: germline.
Comment: The c.740A>G (p.H247R) alteration is located in exon 8 (coding exon 8) of the ATL1 gene. This alteration results from an A to G substitution at nucleotide position 740, causing the histidine (H) at amino acid position 247 to be replaced by an arginine (R). for ATL1-related spastic paraplegia; however, its clinical significance for hereditary sensory neuropathy type ID is uncertain. This variant was not reported in population-based cohorts in the Genome Aggregation Database (gnomAD). This variant was reported in individuals with features consistent with ATL1-related spastic paraplegia (Elert-Dobkowska, 2015; Smith, 2009). Another variant at the same codon, c.740A>C (p.H247P), has been identified in individuals with features consistent with ATL1-related spastic paraplegia (Sauter, 2004). This amino acid position is highly conserved in available vertebrate species. This missense alteration is located in a region that has a low rate of benign missense variation (Lek, 2016; Firth, 2009). This alteration is predicted to be deleterious by in silico analysis. Based on the available evidence, this alteration is classified as likely pathogenic.

Labcorp Genetics (formerly Invitae), Labcorp
Classification: Uncertain significance for Hereditary spastic paraplegia 3A. Last evaluated: 2022-09-17. Review status: criteria provided, single submitter. Criteria: Invitae Variant Classification Sherloc (09022015). Collection method: clinical testing. Allele origin: germline.
Comment: ClinVar contains an entry for this variant (Variation ID: 1065628). In summary, the available evidence is currently insufficient to determine the role of this variant in disease. Therefore, it has been classified as a Variant of Uncertain Significance. This variant disrupts the p.His247 amino acid residue in ATL1. Other variant(s) that disrupt this residue have been observed in individuals with ATL1-related conditions (PMID: 14695538), which suggests that this may be a clinically significant amino acid residue. Algorithms developed to predict the effect of missense changes on protein structure and function (SIFT, PolyPhen-2, Align-GVGD) all suggest that this variant is likely to be disruptive. This missense change has been observed in individual(s) with ATL1-related conditions (PMID: 19459885, 26671083). This variant is not present in population databases (gnomAD no frequency). This sequence change replaces histidine, which is basic and polar, with arginine, which is basic and polar, at codon 247 of the ATL1 protein (p.His247Arg).

Center for Human Genetics and Genomic Medicine, Uniklinik Rwth Aachen
Classification: Likely pathogenic for Hereditary spastic paraplegia 3A. Last evaluated: 2021-05-05. Review status: criteria provided, single submitter. Criteria: ACMG Guidelines, 2015. Collection method: clinical testing. Allele origin: germline. Inheritance: Autosomal dominant inheritance. Affected: yes.
Comment: To our knowledge, this sequence variant has not been reported in the literature or in control databases. However, a sequence variant affecting the same nuceotide, c.740A>C, p.(His247Pro), has previously been reported as causing SPG3 (Nameka 2006, Abel, 2004). The detected variant segregates with the disease in the family. We therefore classify it as being likely pathogenic.

Literature cited by the submitters: PubMed 14695538 (cited by Ambry Genetics and Labcorp Genetics (formerly Invitae), Labcorp); PubMed 19459885 (cited by Ambry Genetics and Labcorp Genetics (formerly Invitae), Labcorp); PubMed 26671083 (cited by Ambry Genetics and Labcorp Genetics (formerly Invitae), Labcorp).